The following is an entry in ClinVar:

ClinVar aggregate classification (germline): Uncertain significance (1 of 4 stars; one submission).

gnomAD v4.1: 2 of 1,614,242 alleles (0.00012%); highest among the groups gnomAD compares: Admixed American, 0.0017%; no homozygotes.

Submission:

Labcorp Genetics (formerly Invitae), Labcorp
Classification: Uncertain significance. Last evaluated: 2024-09-10. Review status: criteria provided, single submitter. Criteria: Invitae Variant Classification Sherloc (09022015). Collection method: clinical testing. Allele origin: germline.
Comment: This sequence change replaces alanine, which is neutral and non-polar, with threonine, which is neutral and polar, at codon 2105 of the FLNB protein (p.Ala2105Thr). This variant is not present in population databases (gnomAD no frequency). This variant has not been reported in the literature in individuals affected with FLNB-related conditions. Invitae Evidence Modeling of protein sequence and biophysical properties (such as structural, functional, and spatial information, amino acid conservation, physicochemical variation, residue mobility, and thermodynamic stability) indicates that this missense variant is not expected to disrupt FLNB protein function with a negative predictive value of 95%. In summary, the available evidence is currently insufficient to determine the role of this variant in disease. Therefore, it has been classified as a Variant of Uncertain Significance.

NM_001457.4(FLNB):c.6313G>A (p.Ala2105Thr)

Gene: FLNB (filamin B; plus strand). Cytogenetic location: 3p14.3.
Variant type: single nucleotide variant.
Coding change: c.6313G>A on transcript NM_001457.4 (MANE Select); coding-DNA position 6313, G replaced by A.
Protein change: p.Ala2105Thr; replaces alanine 2105 with threonine.
Molecular consequence: missense variant.
Genome position (GRCh38, 1-based): chr3:58,150,173, G>A. VCF-style: chr3-58150173-G-A. GRCh37 (hg19) VCF-style: chr3-58135900-G-A.
Other names: c.6406G>A, p.Ala2136Thr (NM_001164317.2); c.6280G>A, p.Ala2094Thr (NM_001164318.2); c.6241G>A, p.Ala2081Thr (NM_001164319.2); short protein forms A2094T, A2136T, A2105T, A2081T.
Identifiers: ClinVar variation 3635748 (VCV003635748.2).